The following is an entry in ClinVar:

NM_000038.6(APC):c.7995C>T (p.Pro2665=)

Gene: APC (APC regulator of Wnt signaling pathway; plus strand). Cytogenetic location: 5q22.2.
Variant type: single nucleotide variant.
Coding change: c.7995C>T on transcript NM_000038.6 (MANE Select); coding-DNA position 7995, C replaced by T.
Protein change: p.Pro2665=; no amino-acid change (proline 2665 retained).
Molecular consequence: synonymous variant.
Genome position (GRCh38, 1-based): chr5:112,843,589, C>T. VCF-style: chr5-112843589-C-T. GRCh37 (hg19) VCF-style: chr5-112179286-C-T.
Other names: c.7995C>T, p.Pro2665= (NM_001127510.3, NM_001354895.2); c.7941C>T, p.Pro2647= (NM_001127511.3); c.8049C>T, p.Pro2683= (NM_001354896.2); c.8025C>T, p.Pro2675= (NM_001354897.2); c.7920C>T, p.Pro2640= (NM_001354898.2); c.7911C>T, p.Pro2637= (NM_001354899.2); c.7872C>T, p.Pro2624= (NM_001354900.2); c.7818C>T, p.Pro2606= (NM_001354901.2); and 5 more.
Identifiers: ClinVar variation 490368 (VCV000490368.16), dbSNP rs1554088819, ClinGen allele CA446211002.

ClinVar aggregate classification (germline): Benign/Likely benign. Review status: criteria provided, multiple submitters, no conflicts (2 of 4 stars). 5 submissions from 5 submitters: Benign (1); Likely benign (4). Last evaluated 2024-04-11.

Conditions:
Hereditary cancer-predisposing syndrome. Also called: Hereditary Cancer Syndrome; Neoplastic Syndromes, Hereditary; Tumor predisposition; Hereditary neoplastic syndrome. Identifiers: Orphanet 140162, MedGen C0027672, MeSH D009386, MONDO:0015356.
Familial adenomatous polyposis 1 (FAP1). Also called: POLYPOSIS, ADENOMATOUS INTESTINAL; FAMILIAL ADENOMATOUS POLYPOSIS 1, ATTENUATED. Identifiers: MedGen C2713442, MONDO:0021056, OMIM 175100. Disease mechanism: loss of function.

Allele frequency attached by ClinVar (database versions not stated): gnomAD exomes below 0.00001.
gnomAD v4.1: 7 of 1,613,936 alleles (0.00043%); highest among the groups gnomAD compares: Non-Finnish European, 0.00051%; no homozygotes.

Submissions (5):

Myriad Genetics, Inc.
Classification: Benign for Familial adenomatous polyposis 1. Last evaluated: 2024-04-11. Review status: criteria provided, single submitter. Criteria: Myriad Autosomal Dominant, Autosomal Recessive and X-Linked Classification Criteria (2023). Collection method: clinical testing. Allele origin: unknown.
Comment: This variant is considered benign. This variant is a silent/synonymous amino acid change and it is not expected to impact splicing.

Labcorp Genetics (formerly Invitae), Labcorp
Classification: Likely benign for Familial adenomatous polyposis 1. Last evaluated: 2024-02-20. Review status: criteria provided, single submitter. Criteria: Invitae Variant Classification Sherloc (09022015). Collection method: clinical testing. Allele origin: germline.

Sema4
Classification: Likely benign for Hereditary cancer-predisposing syndrome. Last evaluated: 2021-05-01. Review status: criteria provided, single submitter. Criteria: Sema4 Curation Guidelines. Collection method: curation. Allele origin: germline.

Ambry Genetics
Classification: Likely benign for Hereditary cancer-predisposing syndrome. Last evaluated: 2020-03-16. Review status: criteria provided, single submitter. Criteria: Ambry Variant Classification Scheme 2023. Collection method: clinical testing. Allele origin: germline.

Color Diagnostics, LLC DBA Color Health
Classification: Likely benign for Hereditary cancer-predisposing syndrome. Last evaluated: 2016-08-26. Review status: criteria provided, single submitter. Criteria: ACMG Guidelines, 2015. Collection method: clinical testing. Allele origin: germline.